The following is an entry in ClinVar:

ClinVar aggregate classification (germline): Benign. Review status: criteria provided, multiple submitters, no conflicts (2 of 4 stars). 2 submissions from 2 submitters: Benign (2). Last evaluated 2019-10-16.

Allele frequency attached by ClinVar (database versions not stated): 1000 Genomes Project 30x 0.43145; TOPMed 0.43993; 1000 Genomes Project 0.44109; gnomAD 0.45259 and 0.45757; gnomAD exomes 0.51429.
gnomAD v4.1: 69,751 of 152,158 alleles (46%); highest among the groups gnomAD compares: Middle Eastern, 62%; 17,028 homozygotes.

Submissions (2):

GeneDx
Classification: Benign. Last evaluated: 2019-10-16. Review status: criteria provided, single submitter. Criteria: GeneDx Variant Classification Process June 2021. Collection method: clinical testing. Allele origin: germline. Affected: yes.
Comment: This variant is associated with the following publications: (PMID: 31275358)

Breakthrough Genomics
Classification: Benign. Review status: criteria provided, single submitter. Criteria: ACMG Guidelines, 2015. Collection method: not provided. Allele origin: germline. Inheritance: Unknown mechanism. Affected: yes.

NM_001143820.2(ETS1):c.*1736A>G

Gene: ETS1 (ETS proto-oncogene 1, transcription factor; minus strand). Cytogenetic location: 11q24.3.
Variant type: single nucleotide variant.
Coding change: c.*1736A>G on transcript NM_001143820.2 (MANE Select); 1736 bases downstream of the stop codon, A replaced by G.
Molecular consequence: 3 prime UTR variant.
Genome position (GRCh38, 1-based): chr11:128,460,625, T>C on the plus strand (A>G on the coding strand, the complement: ETS1 is on the minus strand). VCF-style: chr11-128460625-T-C. GRCh37 (hg19) VCF-style: chr11-128330520-T-C.
Other names: c.*1736A>G (NM_001162422.2, NM_001330451.2, NM_005238.4).
Identifiers: ClinVar variation 1276850 (VCV001276850.2), dbSNP rs4937333, ClinGen allele CA15678207.